The following is an entry in ClinVar:

ClinVar aggregate classification (germline): Pathogenic (1 of 4 stars; one submission).

Submission:

ISCA site 14
Classification: Pathogenic. Last evaluated: 2011-08-12. Review status: criteria provided, single submitter. Criteria: Kaminsky et al. (Genet Med. 2011). Collection method: clinical testing. Allele origin: unknown. Affected: yes. Observed: 1 variant allele.
Comment: Copy number variation identified through the course of routine clinical cytogenomic testing in postnatal populations. Clinical assertions have been curated as described in Kaminsky et al. 2011.

GRCh38/hg38 22q11.21(chr22:18339130-21454720)x1

Genes: AIFM3 (AIF family member 3; plus strand), ARVCF (ARVCF delta catenin family member; minus strand), C22orf39 (chromosome 22 open reading frame 39; minus strand), CCDC188 (coiled-coil domain containing 188; minus strand), CDC45 (cell division cycle 45; plus strand) and 195 more. Cytogenetic location: 22q11.21.
Variant type: copy number loss.
Change: copy number 1 (one copy instead of two) of chr22:18,339,130-21,454,720 (3.12 Mb, GRCh38 coordinates, 1-based), cytogenetic band 22q11.21.
Identifiers: ClinVar variation 57569 (VCV000057569.1).